The following is an entry in ClinVar:

NM_001378454.1(ALMS1):c.10526A>G (p.His3509Arg)

Gene: ALMS1 (ALMS1 centrosome and basal body associated protein; plus strand). Cytogenetic location: 2p13.1.
Variant type: single nucleotide variant.
Coding change: c.10526A>G on transcript NM_001378454.1 (MANE Select); coding-DNA position 10526, A replaced by G.
Protein change: p.His3509Arg; replaces histidine 3509 with arginine.
Molecular consequence: missense variant.
Genome position (GRCh38, 1-based): chr2:73,572,403, A>G. VCF-style: chr2-73572403-A-G. GRCh37 (hg19) VCF-style: chr2-73799530-A-G.
Other names: c.10529A>G, p.His3510Arg (NM_015120.4); short protein forms H3509R, H3510R.
Identifiers: ClinVar variation 1384875 (VCV001384875.8), dbSNP rs1674949532, ClinGen allele CA347283409.

ClinVar aggregate classification (germline): Uncertain significance. Review status: criteria provided, multiple submitters, no conflicts (2 of 4 stars). 3 submissions from 3 submitters: Uncertain significance (3). Last evaluated 2024-01-15.

Conditions:
Alstrom syndrome (ALMS). Identifiers: Orphanet 64, MedGen C0268425, MONDO:0008763, OMIM 203800.
Cardiovascular phenotype. Identifiers: MedGen CN230736.

Allele frequency attached by ClinVar (database versions not stated): gnomAD exomes below 0.00001; gnomAD 0.00001.
gnomAD v4.1: 7 of 1,611,046 alleles (0.00043%); highest among the groups gnomAD compares: African/African-American, 0.0027%; no homozygotes.

Submissions (3):

Labcorp Genetics (formerly Invitae), Labcorp
Classification: Uncertain significance for Alstrom syndrome. Last evaluated: 2024-01-15. Review status: criteria provided, single submitter. Criteria: Invitae Variant Classification Sherloc (09022015). Collection method: clinical testing. Allele origin: germline.
Comment: This sequence change replaces histidine, which is basic and polar, with arginine, which is basic and polar, at codon 3510 of the ALMS1 protein (p.His3510Arg). This variant is not present in population databases (gnomAD no frequency). This variant has not been reported in the literature in individuals affected with ALMS1-related conditions. ClinVar contains an entry for this variant (Variation ID: 1384875). Algorithms developed to predict the effect of missense changes on protein structure and function output the following: SIFT: "Not Available"; PolyPhen-2: "Not Available"; Align-GVGD: "Not Available". The arginine amino acid residue is found in multiple mammalian species, which suggests that this missense change does not adversely affect protein function. In summary, the available evidence is currently insufficient to determine the role of this variant in disease. Therefore, it has been classified as a Variant of Uncertain Significance.

Women's Health and Genetics/Laboratory Corporation of America, LabCorp
Classification: Uncertain significance. Last evaluated: 2023-05-06. Review status: criteria provided, single submitter. Criteria: LabCorp Variant Classification Summary - May 2015. Collection method: clinical testing. Allele origin: germline.

Ambry Genetics
Classification: Uncertain significance for Cardiovascular phenotype. Last evaluated: 2019-12-05. Review status: criteria provided, single submitter. Criteria: Ambry Variant Classification Scheme 2023. Collection method: clinical testing. Allele origin: germline.
Comment: The p.H3510R variant (also known as c.10529A>G), located in coding exon 16 of the ALMS1 gene, results from an A to G substitution at nucleotide position 10529. The histidine at codon 3510 is replaced by arginine, an amino acid with highly similar properties. This amino acid position is not well conserved in available vertebrate species, and arginine is the reference amino acid in other vertebrate species. In addition, this alteration is predicted to be tolerated by in silico analysis. Since supporting evidence is limited at this time, the clinical significance of this alteration remains unclear.